The following is an entry in ClinVar:

NM_004612.4(TGFBR1):c.120C>T (p.Leu40=)

Gene: TGFBR1 (transforming growth factor beta receptor 1; plus strand). Cytogenetic location: 9q22.33.
Variant type: single nucleotide variant.
Coding change: c.120C>T on transcript NM_004612.4 (MANE Select); coding-DNA position 120, C replaced by T.
Protein change: p.Leu40=; no amino-acid change (leucine 40 retained).
Molecular consequence: synonymous variant.
Genome position (GRCh38, 1-based): chr9:99,128,877, C>T. VCF-style: chr9-99128877-C-T. GRCh37 (hg19) VCF-style: chr9-101891159-C-T.
Other names: c.120C>T (NM_004612.3); c.120C>T, p.Leu40= (NM_001130916.3, NM_001306210.2).
Identifiers: ClinVar variation 178135 (VCV000178135.101), dbSNP rs201267786, ClinGen allele CA008724.

ClinVar aggregate classification (germline): Conflicting classifications of pathogenicity. Review status: criteria provided, conflicting classifications (1 of 4 stars). 15 submissions from 15 submitters: Uncertain significance (1); Benign (1); Likely benign (10). 3 of the submissions do not count toward it. Last evaluated 2025-12-17.

Conditions:
Loeys-Dietz syndrome (LDS). Identifiers: Orphanet 60030, MedGen C2697932, MONDO:0018954.
Familial thoracic aortic aneurysm and aortic dissection (TAAD). Also called: Thoracic aortic aneurysms and dissections. Identifiers: Orphanet 91387, MedGen C4707243, MONDO:0019625.
Loeys-Dietz syndrome 1 (LDS1). Also called: AORTIC ANEURYSM, FAMILIAL THORACIC 5; FURLONG SYNDROME; TGFBR1-Related Loeys-Dietz Syndrome. Identifiers: Orphanet 60030, MedGen C4551955, MONDO:0012212, OMIM 609192.

Allele frequency attached by ClinVar (database versions not stated): ExAC 0.00009; TOPMed 0.00009; gnomAD 0.00010 and 0.00011; gnomAD exomes 0.00010; ESP Exome Variant Server 0.00023.
gnomAD v4.1: 183 of 1,613,750 alleles (0.011%); highest among the groups gnomAD compares: Non-Finnish European, 0.015%; no homozygotes.

Submissions (15):

Labcorp Genetics (formerly Invitae), Labcorp
Classification: Likely benign for Familial thoracic aortic aneurysm and aortic dissection. Last evaluated: 2025-12-17. Review status: criteria provided, single submitter. Criteria: Invitae Variant Classification Sherloc (09022015). Collection method: clinical testing. Allele origin: germline.

Molecular Diagnostic Laboratory for Inherited Cardiovascular Disease, Montreal Heart Institute
Classification: Likely benign. Last evaluated: 2025-04-09. Review status: criteria provided, single submitter. Criteria: ACMG Guidelines, 2015. Collection method: clinical testing. Allele origin: germline. Affected: no.

All of Us Research Program, National Institutes of Health
Classification: Likely benign for Loeys-Dietz syndrome. Last evaluated: 2024-02-05. Review status: criteria provided, single submitter. Criteria: ACMG Guidelines, 2015. Collection method: clinical testing. Allele origin: germline. Inheritance: Autosomal dominant inheritance. Observed: 24 variant alleles, 24 heterozygotes.
Comment: This study involves interpretation of variants in research participants for the purpose of population health screening. Participant phenotype was not available at the time of variant classification. Additional details can be found in publication PMID: 35346344, PMCID: PMC8962531

CeGaT Center for Human Genetics Tuebingen
Classification: Likely benign. Last evaluated: 2024-02-01. Review status: criteria provided, single submitter. Criteria: CeGaT Center For Human Genetics Tuebingen Variant Classification Criteria Version 2. Collection method: clinical testing. Allele origin: germline. Affected: yes. Observed: 1 variant allele.
Comment: TGFBR1: BP4, BP7

Blueprint Genetics
Classification: Likely benign. Last evaluated: 2023-09-11. Review status: criteria provided, single submitter. Criteria: ACMG Guidelines, 2015. Collection method: clinical testing. Allele origin: germline.

Women's Health and Genetics/Laboratory Corporation of America, LabCorp
Classification: Benign. Last evaluated: 2022-11-06. Review status: criteria provided, single submitter. Criteria: LabCorp Variant Classification Summary - May 2015. Collection method: clinical testing. Allele origin: germline.

Color Diagnostics, LLC DBA Color Health
Classification: Likely benign for Familial thoracic aortic aneurysm and aortic dissection. Last evaluated: 2018-11-27. Review status: criteria provided, single submitter. Criteria: ACMG Guidelines, 2015. Collection method: clinical testing. Allele origin: germline.

Ambry Genetics
Classification: Likely benign for Familial thoracic aortic aneurysm and aortic dissection. Last evaluated: 2018-04-17. Review status: criteria provided, single submitter. Criteria: Ambry Variant Classification Scheme 2023. Collection method: clinical testing. Allele origin: germline.

GeneDx
Classification: Likely benign. Last evaluated: 2018-03-06. Review status: criteria provided, single submitter. Criteria: GeneDx Variant Classification (06012015). Collection method: clinical testing. Allele origin: germline. Affected: yes.
Comment: This variant is considered likely benign or benign based on one or more of the following criteria: it is a conservative change, it occurs at a poorly conserved position in the protein, it is predicted to be benign by multiple in silico algorithms, and/or has population frequency not consistent with disease.

CHEO Genetics Diagnostic Laboratory, Children's Hospital of Eastern Ontario
Classification: Likely benign for Familial thoracic aortic aneurysm and aortic dissection. Last evaluated: 2018-01-12. Review status: criteria provided, single submitter. Criteria: ACMG Guidelines, 2015. Collection method: clinical testing. Allele origin: germline.

Illumina Laboratory Services, Illumina
Classification: Uncertain significance for Loeys-Dietz syndrome 1. Last evaluated: 2017-04-27. Review status: criteria provided, single submitter. Criteria: ICSL Variant Classification Criteria 13 December 2019. Collection method: clinical testing. Allele origin: germline.

Laboratory for Molecular Medicine, Mass General Brigham Personalized Medicine
Classification: Likely benign. Last evaluated: 2014-08-01. Review status: criteria provided, single submitter. Criteria: LMM Criteria. Collection method: clinical testing. Allele origin: germline. Observed: 1 variant allele.
Comment: Leu40Leu in exon 2 of TGFBR1: This variant is not expected to have clinical sign ificance because it does not alter an amino acid residue and is not located with in the splice consensus sequence. It has been identified in 2/8600 European Amer ican chromosomes and 1/4406 African American chromosomes by the NHLBI Exome Sequ encing Project (dbSNP rs201267786).

Clinical Genetics DNA and cytogenetics Diagnostics Lab, Erasmus MC, Erasmus Medical Center
Classification: Likely benign. Review status: no assertion criteria provided. Collection method: clinical testing. Allele origin: germline. Affected: yes. Study: VKGL Data-share Consensus. Not counted in ClinVar's aggregate classification.

Genome Diagnostics Laboratory, Amsterdam University Medical Center
Classification: Likely benign. Review status: no assertion criteria provided. Collection method: clinical testing. Allele origin: germline. Affected: yes. Study: VKGL Data-share Consensus. Not counted in ClinVar's aggregate classification.

Joint Genome Diagnostic Labs from Nijmegen and Maastricht, Radboudumc and MUMC+
Classification: Likely benign. Review status: no assertion criteria provided. Collection method: clinical testing. Allele origin: germline. Affected: yes. Study: VKGL Data-share Consensus. Not counted in ClinVar's aggregate classification.